The following is an entry in ClinVar:

NM_130837.3(OPA1):c.1681+3A>C

Gene: OPA1 (OPA1 mitochondrial dynamin like GTPase; plus strand). Cytogenetic location: 3q29.
Variant type: single nucleotide variant.
Coding change: c.1681+3A>C on transcript NM_130837.3 (MANE Select); 3 bases into the intron after coding-DNA position 1681, A replaced by C.
Molecular consequence: intron variant.
Genome position (GRCh38, 1-based): chr3:193,645,628, A>C. VCF-style: chr3-193645628-A-C. GRCh37 (hg19) VCF-style: chr3-193363417-A-C.
Other names: c.1570+3A>C (NM_130834.3); c.1627+3A>C (NM_130836.3); c.1516+3A>C (NM_015560.3); c.1573+3A>C (NM_130835.3); c.1462+3A>C (NM_130832.3); c.1519+3A>C (NM_130833.3); c.1408+3A>C (NM_130831.3); c.1144+3A>C (NM_001354664.2); and 1 more.
Identifiers: ClinVar variation 3653699 (VCV003653699.2).

ClinVar aggregate classification (germline): Uncertain significance (1 of 4 stars; one submission).

Submission:

Labcorp Genetics (formerly Invitae), Labcorp
Classification: Uncertain significance. Last evaluated: 2024-05-17. Review status: criteria provided, single submitter. Criteria: Invitae Variant Classification Sherloc (09022015). Collection method: clinical testing. Allele origin: germline.
Comment: This sequence change falls in intron 15 of the OPA1 gene. It does not directly change the encoded amino acid sequence of the OPA1 protein. It affects a nucleotide within the consensus splice site. This variant is not present in population databases (gnomAD no frequency). This variant has not been reported in the literature in individuals affected with OPA1-related conditions. Variants that disrupt the consensus splice site are a relatively common cause of aberrant splicing (PMID: 17576681, 9536098). Algorithms developed to predict the effect of sequence changes on RNA splicing suggest that this variant may disrupt the consensus splice site. In summary, the available evidence is currently insufficient to determine the role of this variant in disease. Therefore, it has been classified as a Variant of Uncertain Significance.

Literature cited by the submitters: PubMed 17576681; PubMed 9536098.